The following is an entry in ClinVar:

NM_025179.4(PLXNA2):c.4502T>G (p.Ile1501Ser)

Gene: PLXNA2 (plexin A2; minus strand). Cytogenetic location: 1q32.2.
Variant type: single nucleotide variant.
Coding change: c.4502T>G on transcript NM_025179.4 (MANE Select); coding-DNA position 4502, T replaced by G.
Protein change: p.Ile1501Ser; replaces isoleucine 1501 with serine.
Molecular consequence: missense variant.
Genome position (GRCh38, 1-based): chr1:208,038,983, A>C on the plus strand (T>G on the coding strand, the complement: PLXNA2 is on the minus strand). VCF-style: chr1-208038983-A-C. GRCh37 (hg19) VCF-style: chr1-208212328-A-C.
Other names: short protein forms I1501S.
Identifiers: ClinVar variation 3684779 (VCV003684779.2).
Genomic context (GRCh38, chr1:208,038,983, plus strand): 5'-TTTAACACCTTCACTGGGATCTCTGGACTGTTCTCGTTGTCAGGGTTGACGCAGTTCAGG[A>C]TCTACAAGTAGGGGACAGAGGGTGAGCAGGACAGGAGTTGAAGGAGTAGTTTGAGGGAGA-3'
Protein context (NP_079455.3, residues 1491-1511): IRQQIEYKTL[Ile1501Ser]LNCVNPDNEN

ClinVar aggregate classification (germline): Uncertain significance (1 of 4 stars; one submission).

gnomAD v4.1: 1 of 1,613,586 alleles (0.000062%); highest among the groups gnomAD compares: Non-Finnish European, 0.000085%; no homozygotes.

Submission:

Labcorp Genetics (formerly Invitae), Labcorp
Classification: Uncertain significance. Last evaluated: 2024-05-17. Review status: criteria provided, single submitter. Criteria: Invitae Variant Classification Sherloc (09022015). Collection method: clinical testing. Allele origin: germline.
Comment: This sequence change replaces isoleucine, which is neutral and non-polar, with serine, which is neutral and polar, at codon 1501 of the PLXNA2 protein (p.Ile1501Ser). This variant is not present in population databases (gnomAD no frequency). This variant has not been reported in the literature in individuals affected with PLXNA2-related conditions. An algorithm developed to predict the effect of missense changes on protein structure and function (PolyPhen-2) suggests that this variant is likely to be disruptive. In summary, the available evidence is currently insufficient to determine the role of this variant in disease. Therefore, it has been classified as a Variant of Uncertain Significance.